The following is an entry in ClinVar:

NM_022041.4(GAN):c.-47G>A

Genes: GAN (gigaxonin; plus strand), LOC130059498 (ATAC-STARR-seq lymphoblastoid silent region 7753; plus strand). Cytogenetic location: 16q23.2.
Variant type: single nucleotide variant.
Coding change: c.-47G>A on transcript NM_022041.4 (MANE Select); 47 bases upstream of the start codon, G replaced by A.
Molecular consequence: 5 prime UTR variant.
Genome position (GRCh38, 1-based): chr16:81,315,067, G>A. VCF-style: chr16-81315067-G-A. GRCh37 (hg19) VCF-style: chr16-81348672-G-A.
Other names: c.-571G>A (NM_001377486.1).
Identifiers: ClinVar variation 510077 (VCV000510077.1), dbSNP rs1246241685, ClinGen allele CA623739739.

ClinVar aggregate classification (germline): Likely benign (1 of 4 stars; one submission).

Submission:

GeneDx
Classification: Likely benign. Last evaluated: 2017-06-12. Review status: criteria provided, single submitter. Criteria: GeneDx Variant Classification (06012015). Collection method: clinical testing. Allele origin: germline. Affected: yes.
Comment: This variant is considered likely benign or benign based on one or more of the following criteria: it is a conservative change, it occurs at a poorly conserved position in the protein, it is predicted to be benign by multiple in silico algorithms, and/or has population frequency not consistent with disease.